The following is an entry in ClinVar:

ClinVar aggregate classification (germline): Uncertain significance (1 of 4 stars; one submission).

Conditions:
Charcot-Marie-Tooth disease type 2. Also called: Charcot-Marie-Tooth type 2. Identifiers: Orphanet 64746, MedGen C0270914, MONDO:0018993.

Submission:

Labcorp Genetics (formerly Invitae), Labcorp
Classification: Uncertain significance for Charcot-Marie-Tooth disease type 2. Last evaluated: 2022-05-30. Review status: criteria provided, single submitter. Criteria: Invitae Variant Classification Sherloc (09022015). Collection method: clinical testing. Allele origin: germline.
Comment: This sequence change replaces arginine, which is basic and polar, with serine, which is neutral and polar, at codon 8 of the LMNA protein (p.Arg8Ser). This variant is not present in population databases (gnomAD no frequency). This variant has not been reported in the literature in individuals affected with LMNA-related conditions. Algorithms developed to predict the effect of missense changes on protein structure and function are either unavailable or do not agree on the potential impact of this missense change (SIFT: "Deleterious"; PolyPhen-2: "Benign"; Align-GVGD: "Class C65"). In summary, the available evidence is currently insufficient to determine the role of this variant in disease. Therefore, it has been classified as a Variant of Uncertain Significance.

NM_170707.4(LMNA):c.22C>A (p.Arg8Ser)

Genes: LMNA (lamin A/C; plus strand), LOC129931597 (ATAC-STARR-seq lymphoblastoid silent region 1421; plus strand). Cytogenetic location: 1q22.
Variant type: single nucleotide variant.
Coding change: c.22C>A on transcript NM_170707.4 (MANE Select); coding-DNA position 22, C replaced by A.
Protein change: p.Arg8Ser; replaces arginine 8 with serine.
Molecular consequence: missense variant.
Genome position (GRCh38, 1-based): chr1:156,114,940, C>A. VCF-style: chr1-156114940-C-A. GRCh37 (hg19) VCF-style: chr1-156084731-C-A.
Other names: c.22C>A, p.Arg8Ser (NM_001282625.2, NM_001282626.2, NM_001406983.1 and 6 more transcripts); c.-402C>A (NM_001406986.1); c.-380C>A (NM_001406990.1, NM_001406995.1, NM_001407002.1); c.-643C>A (NM_001406994.1, NM_001407000.1); c.-823C>A (NM_001406999.1); c.-486C>A (NM_001407001.1); short protein forms R8S.
Identifiers: ClinVar variation 2000946 (VCV002000946.1), dbSNP rs1649697783, ClinGen allele CA342806011.